The following is an entry in ClinVar:

NM_006466.4(POLR3F):c.943G>A (p.Glu315Lys)

Gene: POLR3F (RNA polymerase III subunit F; plus strand). Cytogenetic location: 20p11.23.
Variant type: single nucleotide variant.
Coding change: c.943G>A on transcript NM_006466.4 (MANE Select); coding-DNA position 943, G replaced by A.
Protein change: p.Glu315Lys; replaces glutamic acid 315 with lysine.
Molecular consequence: missense variant. On other transcripts: non-coding transcript variant (1).
Genome position (GRCh38, 1-based): chr20:18,483,550, G>A. VCF-style: chr20-18483550-G-A. GRCh37 (hg19) VCF-style: chr20-18464194-G-A.
Other names: c.943G>A (NM_006466.2); c.820G>A, p.Glu274Lys (NM_001282526.2); c.799G>A, p.Glu267Lys (NM_001410821.1); short protein forms E267K, E274K, E315K.
Identifiers: ClinVar variation 2200596 (VCV002200596.5), dbSNP rs771799088, ClinGen allele CA9777662.

ClinVar aggregate classification (germline): Uncertain significance. Review status: criteria provided, multiple submitters, no conflicts (2 of 4 stars). 2 submissions from 2 submitters: Uncertain significance (2). Last evaluated 2025-09-25.

Allele frequency attached by ClinVar (database versions not stated): gnomAD 0.00020; TOPMed 0.00025.
gnomAD v4.1: 164 of 1,410,856 alleles (0.012%); highest among the groups gnomAD compares: African/African-American, 0.059%; no homozygotes.

Submissions (2):

Labcorp Genetics (formerly Invitae), Labcorp
Classification: Uncertain significance. Last evaluated: 2025-09-25. Review status: criteria provided, single submitter. Criteria: Invitae Variant Classification Sherloc (09022015). Collection method: clinical testing. Allele origin: germline.
Comment: This sequence change replaces glutamic acid, which is acidic and polar, with lysine, which is basic and polar, at codon 274 of the POLR3F protein (p.Glu274Lys). The frequency data for this variant in the population databases is considered unreliable, as metrics indicate poor data quality at this position in the gnomAD database. This variant has not been reported in the literature in individuals affected with POLR3F-related conditions. ClinVar contains an entry for this variant (Variation ID: 2200596). Experimental studies and prediction algorithms are not available or were not evaluated, and the functional significance of this variant is currently unknown. In summary, the available evidence is currently insufficient to determine the role of this variant in disease. Therefore, it has been classified as a Variant of Uncertain Significance.

Ambry Genetics
Classification: Uncertain significance. Last evaluated: 2021-10-06. Review status: criteria provided, single submitter. Criteria: Ambry Variant Classification Scheme 2023. Collection method: clinical testing. Allele origin: germline.